The following is an entry in ClinVar:

NM_024537.4(CARS2):c.*37C>T

Gene: CARS2 (cysteinyl-tRNA synthetase 2, mitochondrial; minus strand). Cytogenetic location: 13q34.
Variant type: single nucleotide variant.
Coding change: c.*37C>T on transcript NM_024537.4 (MANE Select); 37 bases downstream of the stop codon, C replaced by T.
Molecular consequence: 3 prime UTR variant. On other transcripts: non-coding transcript variant (2).
Genome position (GRCh38, 1-based): chr13:110,641,500, G>A on the plus strand (C>T on the coding strand, the complement: CARS2 is on the minus strand). VCF-style: chr13-110641500-G-A. GRCh37 (hg19) VCF-style: chr13-111293847-G-A.
Other names: c.*37C>T (NM_001352252.2).
Identifiers: ClinVar variation 1291054 (VCV001291054.5), dbSNP rs330570, ClinGen allele CA7051539.

ClinVar aggregate classification (germline): Benign. Review status: criteria provided, multiple submitters, no conflicts (2 of 4 stars). 3 submissions from 3 submitters: Benign (3). Last evaluated 2024-07-31.

Allele frequency attached by ClinVar (database versions not stated): gnomAD exomes 0.13710 and 0.17820; ExAC 0.17764; gnomAD 0.23311 and 0.23803; ESP Exome Variant Server 0.23374; TOPMed 0.25022; 1000 Genomes Project 0.25879; 1000 Genomes Project 30x 0.26562.
gnomAD v4.1: 224,330 of 1,524,314 alleles (15%); highest among the groups gnomAD compares: African/African-American, 47%; 21,993 homozygotes.

Submissions (3):

Unidad de Genómica Garrahan, Hospital de Pediatría Garrahan
Classification: Benign. Last evaluated: 2024-07-31. Review status: criteria provided, single submitter. Criteria: ACMG Guidelines, 2015. Collection method: clinical testing. Allele origin: germline. Affected: no. Observed: 34 variant alleles.
Comment: This variant is classified as Benign based on local population frequency. This variant was detected in 37% of patients studied in a panel designed for Epileptic and Developmental Encephalopathy, Progressive Myoclonus Epilepsy and Abnormal Movements and Neurodegeneration with brain iron accumulation. Number of patients: 34. Only high quality variants are reported.

GeneDx
Classification: Benign. Last evaluated: 2018-06-26. Review status: criteria provided, single submitter. Criteria: GeneDx Variant Classification Process June 2021. Collection method: clinical testing. Allele origin: germline. Affected: yes.

Breakthrough Genomics
Classification: Benign. Review status: criteria provided, single submitter. Criteria: ACMG Guidelines, 2015. Collection method: not provided. Allele origin: germline. Inheritance: Autosomal recessive inheritance. Affected: yes.